The following is an entry in ClinVar:

NM_000264.5(PTCH1):c.4138G>A (p.Ala1380Thr)

Gene: PTCH1 (patched 1; minus strand). Cytogenetic location: 9q22.32.
Variant type: single nucleotide variant.
Coding change: c.4138G>A on transcript NM_000264.5 (MANE Select); coding-DNA position 4138, G replaced by A.
Protein change: p.Ala1380Thr; replaces alanine 1380 with threonine.
Molecular consequence: missense variant. On other transcripts: non-coding transcript variant (1).
Genome position (GRCh38, 1-based): chr9:95,447,118, C>T on the plus strand (G>A on the coding strand, the complement: PTCH1 is on the minus strand). VCF-style: chr9-95447118-C-T. GRCh37 (hg19) VCF-style: chr9-98209400-C-T.
Other names: c.3940G>A, p.Ala1314Thr (NM_001083602.3); c.4135G>A, p.Ala1379Thr (NM_001083603.3); c.3685G>A, p.Ala1229Thr (NM_001083604.3, NM_001083605.3, NM_001083606.3 and 1 more transcripts); c.3982G>A, p.Ala1328Thr (NM_001354918.2); c.4138G>A (NM_000264.4); short protein forms A1380T, A1314T, A1328T, A1229T, A1379T.
Identifiers: ClinVar variation 577111 (VCV000577111.19), dbSNP rs111481152, ClinGen allele CA5137945.

ClinVar aggregate classification (germline): Conflicting classifications of pathogenicity. Review status: criteria provided, conflicting classifications (1 of 4 stars). 8 submissions from 8 submitters: Uncertain significance (5); Likely benign (3). Last evaluated 2025-12-29.

Conditions:
Hereditary cancer. Identifiers: MedGen C1333600.
Hereditary cancer-predisposing syndrome. Also called: Neoplastic Syndromes, Hereditary; Tumor predisposition; Hereditary Cancer Syndrome; Hereditary neoplastic syndrome. Identifiers: Orphanet 140162, MedGen C0027672, MeSH D009386, MONDO:0015356.
Holoprosencephaly 7 (HPE7). Identifiers: Orphanet 2162, MedGen C1835820, MONDO:0012562, OMIM 610828.
Gorlin syndrome. Also called: Basal cell nevus syndrome; Nevoid Basal Cell Carcinoma Syndrome. Identifiers: Orphanet 377, MedGen C0004779, MONDO:0007187.
Basal cell carcinoma, susceptibility to, 1. Also called: BCC1. Identifiers: MedGen C2751544, MONDO:0011556, OMIM 605462.
PTCH1-related disorder. Also called: PTCH1-related disorders; PTCH1-related condition.

Allele frequency attached by ClinVar (database versions not stated): gnomAD 0.00001; ExAC 0.00002; gnomAD exomes 0.00002; TOPMed 0.00003; ESP Exome Variant Server 0.00008.
gnomAD v4.1: 28 of 1,613,242 alleles (0.0017%); highest among the groups gnomAD compares: Admixed American, 0.0033%; no homozygotes.

Submissions (8):

Center for Genomic Medicine, Rigshospitalet, Copenhagen University Hospital
Classification: Uncertain significance. Last evaluated: 2025-12-29. Review status: criteria provided, single submitter. Criteria: ACMG Guidelines, 2015. Collection method: clinical testing. Allele origin: germline.

Labcorp Genetics (formerly Invitae), Labcorp
Classification: Uncertain significance for Gorlin syndrome. Last evaluated: 2025-09-26. Review status: criteria provided, single submitter. Criteria: Invitae Variant Classification Sherloc (09022015). Collection method: clinical testing. Allele origin: germline.
Comment: This sequence change replaces alanine, which is neutral and non-polar, with threonine, which is neutral and polar, at codon 1380 of the PTCH1 protein (p.Ala1380Thr). This variant is present in population databases (rs111481152, gnomAD 0.003%). This variant has not been reported in the literature in individuals affected with PTCH1-related conditions. ClinVar contains an entry for this variant (Variation ID: 577111). Invitae Evidence Modeling of protein sequence and biophysical properties (such as structural, functional, and spatial information, amino acid conservation, physicochemical variation, residue mobility, and thermodynamic stability) indicates that this missense variant is not expected to disrupt PTCH1 protein function with a negative predictive value of 95%. In summary, the available evidence is currently insufficient to determine the role of this variant in disease. Therefore, it has been classified as a Variant of Uncertain Significance.

PreventionGenetics, part of Exact Sciences
Classification: Uncertain significance for PTCH1-related condition. Last evaluated: 2025-03-06. Review status: criteria provided, single submitter. Criteria: ACMG Guidelines, 2015. Collection method: clinical testing. Allele origin: germline.
Comment: The PTCH1 c.4138G>A variant is predicted to result in the amino acid substitution p.Ala1380Thr. To our knowledge, this variant has not been reported in the literature in individuals with PTCH1-associated conditions. This variant is reported in 0.0029% of alleles in individuals of Latino descent in gnomAD. This variant has conflicting interpretations in ClinVar ranging from uncertain to likely benign. At this time, the clinical significance of this variant is uncertain due to the absence of conclusive functional and genetic evidence.

Mendelics
Classification: Likely benign for Hereditary cancer. Last evaluated: 2025-02-26. Review status: criteria provided, single submitter. Criteria: ACMG Guidelines, 2015. Collection method: clinical testing. Allele origin: unknown.
Comment: This variant is considered likely benign or benign based on one or more of the following: it is predicted to be benign by multiple in silico algorithms, and/or has population frequency not consistent with disease, and/or has normal protein function, and/or has lack of segregation with disease, and/or has been detected in co-occurrence with known pathogenic variant, and/or has lack of disease association in case-control studies, and/or is located in a region inconsistent with a known cause of pathogenicity.

Laboratory of Genetics, Children's Clinical University Hospital Latvia
Classification: Likely benign. Last evaluated: 2025-02-16. Review status: criteria provided, single submitter. Criteria: ACMG Guidelines, 2015. Collection method: clinical testing. Allele origin: germline. Affected: yes.

Quest Diagnostics Nichols Institute San Juan Capistrano
Classification: Uncertain significance. Last evaluated: 2024-10-29. Review status: criteria provided, single submitter. Criteria: Quest Diagnostics criteria. Collection method: clinical testing. Allele origin: unknown.
Comment: The PTCH1 c.4138G>A (p.Ala1380Thr) variant has been reported in the published literature in individuals with breast cancer (PMID: 35884425 (2022)), in an individual with a myeloid malignancy (PMID: 31911633 (2020)), and in an individual with Hodgkin lymphoma (PMID: 33332384 (2020)). The frequency of this variant in the general population, 0.000016 (4/247464 chromosomes (Genome Aggregation Database)), is uninformative in the assessment of its pathogenicity. Analysis of this variant using bioinformatics tools for the prediction of the effect of amino acid changes on protein structure and function yielded predictions that this variant is benign. Based on the available information, we are unable to determine the clinical significance of this variant.

Ambry Genetics
Classification: Likely benign for Hereditary cancer-predisposing syndrome. Last evaluated: 2022-09-27. Review status: criteria provided, single submitter. Criteria: Ambry Variant Classification Scheme 2023. Collection method: clinical testing. Allele origin: germline.

Fulgent Genetics
Classification: Uncertain significance for Basal cell nevus syndrome 1; Basal cell carcinoma, susceptibility to, 1; Holoprosencephaly 7. Last evaluated: 2018-10-31. Review status: criteria provided, single submitter. Criteria: ACMG Guidelines, 2015. Collection method: clinical testing. Allele origin: unknown.

Literature cited by the submitters: PubMed 33332384 (cited by Quest Diagnostics Nichols Institute San Juan Capistrano and Ambry Genetics); PubMed 31911633 (cited by Quest Diagnostics Nichols Institute San Juan Capistrano); PubMed 35884425 (cited by Quest Diagnostics Nichols Institute San Juan Capistrano).